The following is an entry in ClinVar:

NM_000393.5(COL5A2):c.316A>G (p.Asn106Asp)

Gene: COL5A2 (collagen type V alpha 2 chain; minus strand). Cytogenetic location: 2q32.2.
Variant type: single nucleotide variant.
Coding change: c.316A>G on transcript NM_000393.5 (MANE Select); coding-DNA position 316, A replaced by G.
Protein change: p.Asn106Asp; replaces asparagine 106 with aspartic acid.
Molecular consequence: missense variant.
Genome position (GRCh38, 1-based): chr2:189,110,231, T>C on the plus strand (A>G on the coding strand, the complement: COL5A2 is on the minus strand). VCF-style: chr2-189110231-T-C. GRCh37 (hg19) VCF-style: chr2-189974957-T-C.
Other names: c.316A>G (NM_000393.3); short protein forms N106D.
Identifiers: ClinVar variation 441116 (VCV000441116.5), dbSNP rs1449512324, ClinGen allele CA349867290.

ClinVar aggregate classification (germline): Uncertain significance (1 of 4 stars; one submission).

Conditions:
Ehlers-Danlos syndrome, classic type (cEDS). Identifiers: Orphanet 287, MedGen C4225429, MONDO:0007522.
Familial thoracic aortic aneurysm and aortic dissection (TAAD). Also called: Thoracic aortic aneurysms and dissections. Identifiers: Orphanet 91387, MedGen C4707243, MONDO:0019625.

Allele frequency attached by ClinVar (database versions not stated): gnomAD exomes below 0.00001; TOPMed below 0.00001; gnomAD 0.00001.
gnomAD v4.1: 4 of 1,611,532 alleles (0.00025%); highest among the groups gnomAD compares: African/African-American, 0.0013%; no homozygotes.

Submission:

Ambry Genetics
Classification: Uncertain significance for Familial thoracic aortic aneurysm and aortic dissection. Last evaluated: 2026-04-09. Review status: criteria provided, single submitter. Criteria: Ambry Variant Classification Scheme 2023. Collection method: clinical testing. Allele origin: germline.
Comment: The p.N106D variant (also known as c.316A>G), located in coding exon 2 of the COL5A2 gene, results from an A to G substitution at nucleotide position 316. The asparagine at codon 106 is replaced by aspartic acid, an amino acid with highly similar properties. This amino acid position is conserved. In addition, this alteration is predicted to be tolerated by in silico analysis. Based on the available evidence, the clinical significance of this variant remains unclear.